The following is an entry in ClinVar:

NM_000159.4(GCDH):c.1088C>T (p.Ala363Val)

Gene: GCDH (glutaryl-CoA dehydrogenase; plus strand). Cytogenetic location: 19p13.13.
Variant type: single nucleotide variant.
Coding change: c.1088C>T on transcript NM_000159.4 (MANE Select); coding-DNA position 1088, C replaced by T.
Protein change: p.Ala363Val; replaces alanine 363 with valine.
Molecular consequence: missense variant. On other transcripts: non-coding transcript variant (2).
Genome position (GRCh38, 1-based): chr19:12,897,708, C>T. VCF-style: chr19-12897708-C-T. GRCh37 (hg19) VCF-style: chr19-13008522-C-T.
Other names: c.1088C>T, p.Ala363Val (NM_013976.5); c.1088C>T (NM_000159.2, NM_000159.3); short protein forms A363V.
Identifiers: ClinVar variation 1486804 (VCV001486804.7), dbSNP rs1278213620, ClinGen allele CA404321201.
Genomic context (GRCh38, chr19:12,897,708, plus strand): 5'-GAGCATCGGGATGCCAGGATCCCCAGTCCTTGTTACCCTCATGTGCCACTCCCAGGGCTG[C>T]CCCCGAGATGGTTTCTCTGCTGAAGAGGAATAACTGTGGGAAAGCCCTGGACATCGCCCG-3'
Protein context (NP_000150.1, residues 353-373): LGRLKDQDKA[Ala363Val]PEMVSLLKRN

ClinVar aggregate classification (germline): Uncertain significance. Review status: criteria provided, multiple submitters, no conflicts (2 of 4 stars). 3 submissions from 3 submitters: Uncertain significance (2). 1 of the submissions does not count toward it. Last evaluated 2025-04-13.

Conditions:
Glutaric aciduria, type 1. Also called: GA I; Glutaric acidemia type I; Glutaricacidemia Type 1; Glutaryl-CoA dehydrogenase deficiency; Glutaricaciduria, type I; Glutaric Acidemia Type 1. Identifiers: Orphanet 25, MedGen C0268595, MONDO:0009281, OMIM 231670.
Inborn genetic diseases. Identifiers: MedGen C0950123, MeSH D030342.

Allele frequency attached by ClinVar (database versions not stated): gnomAD 0.00001; gnomAD exomes 0.00002; TOPMed 0.00002.
gnomAD v4.1: 27 of 1,613,958 alleles (0.0017%); highest among the groups gnomAD compares: Non-Finnish European, 0.0023%; no homozygotes.

Submissions (3):

Ambry Genetics
Classification: Uncertain significance for Inborn genetic diseases. Last evaluated: 2025-04-13. Review status: criteria provided, single submitter. Criteria: Ambry Variant Classification Scheme 2023. Collection method: clinical testing. Allele origin: germline.

Labcorp Genetics (formerly Invitae), Labcorp
Classification: Uncertain significance for Glutaric aciduria, type 1. Last evaluated: 2021-08-24. Review status: criteria provided, single submitter. Criteria: Invitae Variant Classification Sherloc (09022015). Collection method: clinical testing. Allele origin: germline.
Comment: This sequence change replaces alanine with valine at codon 363 of the GCDH protein (p.Ala363Val). The alanine residue is weakly conserved and there is a small physicochemical difference between alanine and valine. This variant is not present in population databases (ExAC no frequency). This variant has not been reported in the literature in individuals affected with GCDH-related conditions. Advanced modeling of protein sequence and biophysical properties (such as structural, functional, and spatial information, amino acid conservation, physicochemical variation, residue mobility, and thermodynamic stability) performed at Invitae indicates that this missense variant is expected to disrupt GCDH protein function. In summary, the available evidence is currently insufficient to determine the role of this variant in disease. Therefore, it has been classified as a Variant of Uncertain Significance.

Natera, Inc.
Classification: Uncertain significance for Glutaric acidemia type 1. Last evaluated: 2025-04-10. Review status: no assertion criteria provided. Collection method: clinical testing. Allele origin: germline. Not counted in ClinVar's aggregate classification.